The following is an entry in ClinVar:

NM_198578.4(LRRK2):c.4424A>G (p.Asn1475Ser)

Gene: LRRK2 (leucine rich repeat kinase 2; plus strand). Cytogenetic location: 12q12.
Variant type: single nucleotide variant.
Coding change: c.4424A>G on transcript NM_198578.4 (MANE Select); coding-DNA position 4424, A replaced by G.
Protein change: p.Asn1475Ser; replaces asparagine 1475 with serine.
Molecular consequence: missense variant.
Genome position (GRCh38, 1-based): chr12:40,310,537, A>G. VCF-style: chr12-40310537-A-G. GRCh37 (hg19) VCF-style: chr12-40704339-A-G.
Other names: short protein forms N1475S.
Identifiers: ClinVar variation 2561231 (VCV002561231.2), dbSNP rs1416490849, ClinGen allele CA384418477.

ClinVar aggregate classification (germline): Uncertain significance (1 of 4 stars; one submission).

Conditions:
Inborn genetic diseases. Identifiers: MedGen C0950123, MeSH D030342.

Allele frequency attached by ClinVar (database versions not stated): gnomAD exomes below 0.00001.
gnomAD v4.1: 1 of 1,612,504 alleles (0.000062%); highest among the groups gnomAD compares: Non-Finnish European, 0.000085%; no homozygotes.

Submission:

Ambry Genetics
Classification: Uncertain significance for Inborn genetic diseases. Last evaluated: 2023-06-09. Review status: criteria provided, single submitter. Criteria: Ambry Variant Classification Scheme 2023. Collection method: clinical testing. Allele origin: germline.
Comment: The p.N1475S variant (also known as c.4424A>G), located in coding exon 31 of the LRRK2 gene, results from an A to G substitution at nucleotide position 4424. The asparagine at codon 1475 is replaced by serine, an amino acid with highly similar properties. This amino acid position is conserved. In addition, this alteration is predicted to be tolerated by in silico analysis. Since supporting evidence is limited at this time, the clinical significance of this alteration remains unclear.